The following is an entry in ClinVar:

NM_001613.4(ACTA2):c.463C>A (p.Leu155Met)

Gene: ACTA2 (actin alpha 2, smooth muscle; minus strand). Cytogenetic location: 10q23.31.
Variant type: single nucleotide variant.
Coding change: c.463C>A on transcript NM_001613.4 (MANE Select); coding-DNA position 463, C replaced by A.
Protein change: p.Leu155Met; replaces leucine 155 with methionine.
Molecular consequence: missense variant.
Genome position (GRCh38, 1-based): chr10:88,941,382, G>T on the plus strand (C>A on the coding strand, the complement: ACTA2 is on the minus strand). VCF-style: chr10-88941382-G-T. GRCh37 (hg19) VCF-style: chr10-90701139-G-T.
Other names: c.463C>A, p.Leu155Met (NM_001141945.3, NM_001320855.2, NM_001406462.1 and 3 more transcripts); c.352C>A, p.Leu118Met (NM_001406466.1); c.334C>A, p.Leu112Met (NM_001406467.1, NM_001406468.1, NM_001406469.1); short protein forms L112M, L118M, L155M.
Identifiers: ClinVar variation 3071479 (VCV003071479.1), dbSNP rs2494538863, ClinGen allele CA377512370.

ClinVar aggregate classification (germline): Uncertain significance (1 of 4 stars; one submission).

Conditions:
Familial thoracic aortic aneurysm and aortic dissection (TAAD). Also called: Thoracic aortic aneurysms and dissections. Identifiers: Orphanet 91387, MedGen C4707243, MONDO:0019625.

Allele frequency attached by ClinVar (database versions not stated): gnomAD exomes below 0.00001.
gnomAD v4.1: 1 of 1,613,972 alleles (0.000062%); highest among the groups gnomAD compares: South Asian, 0.0011%; no homozygotes.

Submission:

All of Us Research Program, National Institutes of Health
Classification: Uncertain significance for Familial thoracic aortic aneurysm and aortic dissection. Last evaluated: 2023-06-08. Review status: criteria provided, single submitter. Criteria: ACMG Guidelines, 2015. Collection method: clinical testing. Allele origin: germline. Inheritance: Autosomal dominant inheritance. Observed: 1 variant allele, 1 heterozygote.
Comment: This missense variant replaces leucine with methionine at codon 155 of the ACTA2 protein. Computational prediction is inconclusive regarding the impact of this variant on protein structure and function (internally defined REVEL score threshold 0.5 < inconclusive < 0.7, PMID: 27666373). To our knowledge, functional studies have not been reported for this variant. This variant has not been reported in individuals affected with ACTA2-related disorders in the literature. This variant has not been identified in the general population by the Genome Aggregation Database (gnomAD). The available evidence is insufficient to determine the role of this variant in disease conclusively. Therefore, this variant is classified as a Variant of Uncertain Significance.

This study involves interpretation of variants in research participants for the purpose of population health screening. Participant phenotype was not available at the time of variant classification. Additional details can be found in publication PMID: 35346344, PMCID: PMC8962531